The following is an entry in ClinVar:

NM_001009944.3(PKD1):c.9276C>T (p.Ala3092=)

Gene: PKD1 (polycystin 1, transient receptor potential channel interacting; minus strand). Cytogenetic location: 16p13.3.
Variant type: single nucleotide variant.
Coding change: c.9276C>T on transcript NM_001009944.3 (MANE Select); coding-DNA position 9276, C replaced by T.
Protein change: p.Ala3092=; no amino-acid change (alanine 3092 retained).
Molecular consequence: synonymous variant.
Genome position (GRCh38, 1-based): chr16:2,102,182, G>A on the plus strand (C>T on the coding strand, the complement: PKD1 is on the minus strand). VCF-style: chr16-2102182-G-A. GRCh37 (hg19) VCF-style: chr16-2152183-G-A.
Other names: c.9276C>T, p.Ala3092= (NM_000296.4).
Identifiers: ClinVar variation 2645995 (VCV002645995.25), dbSNP rs1286237384, ClinGen allele CA493045813.
Genomic context (GRCh38, chr16:2,102,182, plus strand): 5'-ACAGAAAGGGATGGCGCGGCCCCGGCTGGCATCCAACTGGTCCAGCTTGTGCAGGATGGC[G>A]GCCATGACCATGTAGGTCACCAGGCACACAGCACATGTCAGCATGACGATGTAGTTTACA-3'
Protein context (NP_001009944.3, residues 3082-3102): AVCLVTYMVM[Ala3092=]AILHKLDQLD

ClinVar aggregate classification (germline): Likely benign. Review status: criteria provided, multiple submitters, no conflicts (2 of 4 stars). 2 submissions from 2 submitters: Likely benign (2). Last evaluated 2026-02-09.

Conditions:
PKD1-related disorder. Also called: PKD1-related condition.

Allele frequency attached by ClinVar (database versions not stated): gnomAD 0.00001; gnomAD exomes 0.00002; TOPMed 0.00002.
gnomAD v4.1: 30 of 1,529,888 alleles (0.002%); highest among the groups gnomAD compares: Middle Eastern, 0.023%; no homozygotes.

Submissions (2):

PreventionGenetics, part of Exact Sciences
Classification: Likely benign for PKD1-related condition. Last evaluated: 2026-02-09. Review status: criteria provided, single submitter. Criteria: ACMG Guidelines, 2015. Collection method: clinical testing. Allele origin: germline.
Comment: This variant is classified as likely benign based on ACMG/AMP sequence variant interpretation guidelines (Richards et al. 2015 PMID: 25741868, with internal and published modifications).

CeGaT Center for Human Genetics Tuebingen
Classification: Likely benign. Last evaluated: 2022-12-01. Review status: criteria provided, single submitter. Criteria: CeGaT Center For Human Genetics Tuebingen Variant Classification Criteria Version 2. Collection method: clinical testing. Allele origin: germline. Affected: yes. Observed: 1 variant allele.
Comment: PKD1: BP4, BP7